The following is an entry in ClinVar:

ClinVar aggregate classification (germline): Uncertain significance (1 of 4 stars; one submission).

Conditions:
Immunodeficiency, common variable, 10. Also called: DEFICIT IN ANTERIOR PITUITARY FUNCTION AND VARIABLE IMMUNODEFICIENCY; IMMUNODEFICIENCY, COMMON VARIABLE, WITH CENTRAL ADRENAL INSUFFICIENCY. Identifiers: MedGen C3809991, MONDO:0014260, OMIM 615577.

gnomAD v4.1: 1 of 1,611,872 alleles (0.000062%); highest among the groups gnomAD compares: Non-Finnish European, 0.000085%; no homozygotes.

Submission:

Labcorp Genetics (formerly Invitae), Labcorp
Classification: Uncertain significance for Immunodeficiency, common variable, 10. Last evaluated: 2025-03-05. Review status: criteria provided, single submitter. Criteria: Invitae Variant Classification Sherloc (09022015). Collection method: clinical testing. Allele origin: germline.
Comment: This sequence change falls in intron 17 of the NFKB2 gene. It does not directly change the encoded amino acid sequence of the NFKB2 protein. It affects a nucleotide within the consensus splice site. This variant is not present in population databases (gnomAD no frequency). This variant has not been reported in the literature in individuals affected with NFKB2-related conditions. Variants that disrupt the consensus splice site are a relatively common cause of aberrant splicing (PMID: 17576681, 9536098). Algorithms developed to predict the effect of sequence changes on RNA splicing suggest that this variant is not likely to affect RNA splicing. In summary, the available evidence is currently insufficient to determine the role of this variant in disease. Therefore, it has been classified as a Variant of Uncertain Significance.

Literature cited by the submitters: PubMed 17576681; PubMed 9536098.

NM_001322934.2(NFKB2):c.1969-3C>T

Gene: NFKB2 (nuclear factor kappa B subunit 2; plus strand). Cytogenetic location: 10q24.32.
Variant type: single nucleotide variant.
Coding change: c.1969-3C>T on transcript NM_001322934.2 (MANE Select); 3 bases into the intron before coding-DNA position 1969, C replaced by T.
Molecular consequence: intron variant.
Genome position (GRCh38, 1-based): chr10:102,400,944, C>T. VCF-style: chr10-102400944-C-T. GRCh37 (hg19) VCF-style: chr10-104160701-C-T.
Other names: c.1969-3C>T (NM_001288724.1, NM_001077494.3, NM_001261403.3 and 1 more transcripts); c.1843-3C>T (NM_001322935.1).
Identifiers: ClinVar variation 4805983 (VCV004805983.1).